The following is an entry in ClinVar:

ClinVar aggregate classification (germline): Likely benign. Review status: criteria provided, multiple submitters, no conflicts (2 of 4 stars). 4 submissions from 4 submitters: Likely benign (4). Last evaluated 2026-01-20.

Conditions:
CDH23-related disorder. Also called: CDH23-related condition; CDH23-related disorders.

Allele frequency attached by ClinVar (database versions not stated): gnomAD 0.00003 and 0.00007; ExAC 0.00007; ESP Exome Variant Server 0.00008; gnomAD exomes 0.00009; 1000 Genomes Project 30x 0.00016; 1000 Genomes Project 0.00020.
gnomAD v4.1: 67 of 1,601,498 alleles (0.0042%); highest among the groups gnomAD compares: South Asian, 0.045%; no homozygotes.

Submissions (4):

Women's Health and Genetics/Laboratory Corporation of America, LabCorp
Classification: Likely benign. Last evaluated: 2026-01-20. Review status: criteria provided, single submitter. Criteria: LabCorp Variant Classification Summary - May 2015. Collection method: clinical testing. Allele origin: germline.

Labcorp Genetics (formerly Invitae), Labcorp
Classification: Likely benign. Last evaluated: 2025-08-11. Review status: criteria provided, single submitter. Criteria: Invitae Variant Classification Sherloc (09022015). Collection method: clinical testing. Allele origin: germline.

PreventionGenetics, part of Exact Sciences
Classification: Likely benign for CDH23-related condition. Last evaluated: 2025-01-07. Review status: criteria provided, single submitter. Criteria: ACMG Guidelines, 2015. Collection method: clinical testing. Allele origin: germline.
Comment: This variant is classified as likely benign based on ACMG/AMP sequence variant interpretation guidelines (Richards et al. 2015 PMID: 25741868, with internal and published modifications).

Blueprint Genetics
Classification: Likely benign. Last evaluated: 2024-07-18. Review status: criteria provided, single submitter. Criteria: ACMG Guidelines, 2015. Collection method: clinical testing. Allele origin: germline.

NM_022124.6(CDH23):c.2289+8C>T

Gene: CDH23 (cadherin related 23; plus strand). Cytogenetic location: 10q22.1.
Variant type: single nucleotide variant.
Coding change: c.2289+8C>T on transcript NM_022124.6 (MANE Select); 8 bases into the intron after coding-DNA position 2289, C replaced by T.
Molecular consequence: intron variant.
Genome position (GRCh38, 1-based): chr10:71,694,267, C>T. VCF-style: chr10-71694267-C-T. GRCh37 (hg19) VCF-style: chr10-73454024-C-T.
Other names: c.2289+8C>T (NM_022124.5, NM_001171930.2, NM_001171931.2).
Identifiers: ClinVar variation 1124974 (VCV001124974.12), dbSNP rs377370897, ClinGen allele CA5544151.